The following is an entry in ClinVar:

ClinVar aggregate classification (germline): Uncertain significance. Review status: criteria provided, multiple submitters, no conflicts (2 of 4 stars). 2 submissions from 2 submitters: Uncertain significance (2). Last evaluated 2024-12-26.

Allele frequency attached by ClinVar (database versions not stated): gnomAD 0.00001; TOPMed 0.00002.
gnomAD v4.1: 2 of 1,613,926 alleles (0.00012%); highest among the groups gnomAD compares: Admixed American, 0.0017%; no homozygotes.

Submissions (2):

Women's Health and Genetics/Laboratory Corporation of America, LabCorp
Classification: Uncertain significance. Last evaluated: 2024-12-26. Review status: criteria provided, single submitter. Criteria: LabCorp Variant Classification Summary - May 2015. Collection method: clinical testing. Allele origin: germline.
Comment: Variant summary: SRCAP c.7139G>A (p.Arg2380Gln) results in a conservative amino acid change in the encoded protein sequence. Five of five in-silico tools predict a benign effect of the variant on protein function. The variant was absent in 251158 control chromosomes. The available data on variant occurrences in the general population are insufficient to allow any conclusion about variant significance. To our knowledge, no occurrence of c.7139G>A in individuals affected with Floating-Harbor Syndrome and no experimental evidence demonstrating its impact on protein function have been reported. ClinVar contains an entry for this variant (Variation ID: 1973288). Based on the evidence outlined above, the variant was classified as uncertain significance.

Labcorp Genetics (formerly Invitae), Labcorp
Classification: Uncertain significance. Last evaluated: 2023-05-22. Review status: criteria provided, single submitter. Criteria: Invitae Variant Classification Sherloc (09022015). Collection method: clinical testing. Allele origin: germline.
Comment: This variant is not present in population databases (gnomAD no frequency). In summary, the available evidence is currently insufficient to determine the role of this variant in disease. Therefore, it has been classified as a Variant of Uncertain Significance. Advanced modeling of protein sequence and biophysical properties (such as structural, functional, and spatial information, amino acid conservation, physicochemical variation, residue mobility, and thermodynamic stability) performed at Invitae indicates that this missense variant is not expected to disrupt SRCAP protein function. ClinVar contains an entry for this variant (Variation ID: 1973288). This variant has not been reported in the literature in individuals affected with SRCAP-related conditions. This sequence change replaces arginine, which is basic and polar, with glutamine, which is neutral and polar, at codon 2380 of the SRCAP protein (p.Arg2380Gln).

NM_006662.3(SRCAP):c.7139G>A (p.Arg2380Gln)

Gene: SRCAP (Snf2 related CREBBP activator protein; plus strand). Cytogenetic location: 16p11.2.
Variant type: single nucleotide variant.
Coding change: c.7139G>A on transcript NM_006662.3 (MANE Select); coding-DNA position 7139, G replaced by A.
Protein change: p.Arg2380Gln; replaces arginine 2380 with glutamine.
Molecular consequence: missense variant.
Genome position (GRCh38, 1-based): chr16:30,737,179, G>A. VCF-style: chr16-30737179-G-A. GRCh37 (hg19) VCF-style: chr16-30748500-G-A.
Other names: short protein forms R2380Q.
Identifiers: ClinVar variation 1973288 (VCV001973288.6), dbSNP rs761858529, ClinGen allele CA395632203.